The following is an entry in ClinVar:

ClinVar aggregate classification (germline): Likely pathogenic. Review status: criteria provided, multiple submitters, no conflicts (2 of 4 stars). 2 submissions from 2 submitters: Likely pathogenic (2). Last evaluated 2025-11-21.

Conditions:
Dilated cardiomyopathy 1G (CMD1G). Identifiers: Orphanet 154, MedGen C1858763, MONDO:0011400, OMIM 604145.
Autosomal recessive limb-girdle muscular dystrophy type 2J (LGMDR10). Also called: Limb-girdle muscular dystrophy, type 2J; MUSCULAR DYSTROPHY, LIMB-GIRDLE, AUTOSOMAL RECESSIVE 10. Identifiers: Orphanet 140922, MedGen C1837342, MONDO:0012127, OMIM 608807.
Primary dilated cardiomyopathy (DCM). Also called: Dilated Cardiomyopathy. Identifiers: Orphanet 217604, MedGen C0007193, MeSH D002311, MONDO:0005021, HP:0001644. Inheritance: Various modes of inheritance.

Submissions (2):

Labcorp Genetics (formerly Invitae), Labcorp
Classification: Likely pathogenic for Dilated cardiomyopathy 1G; Autosomal recessive limb-girdle muscular dystrophy type 2J. Last evaluated: 2025-11-21. Review status: criteria provided, single submitter. Criteria: Invitae Variant Classification Sherloc (09022015). Collection method: clinical testing. Allele origin: germline.
Comment: This sequence change creates a premature translational stop signal (p.Ser33482*) in the TTN gene. While this is not anticipated to result in nonsense mediated decay, it is expected to create a truncated TTN protein. This variant is not present in population databases (gnomAD no frequency). This premature translational stop signal has been observed in individual(s) with dilated cardiomyopathy (PMID: 22335739). This variant is also known as c.95522C>A (p.Ser31841X). ClinVar contains an entry for this variant (Variation ID: 223330). This variant is located in the A band of TTN (PMID: 25589632). Truncating variants in this region are significantly overrepresented in patients affected with dilated cardiomyopathy (PMID: 25589632). Truncating variants in this region have also been reported in individuals affected with autosomal recessive centronuclear myopathy (PMID: 23975875). In summary, the currently available evidence indicates that the variant is pathogenic, but additional data are needed to prove that conclusively. Therefore, this variant has been classified as Likely Pathogenic.

Cardiovascular Biomedical Research Unit, Royal Brompton & Harefield NHS Foundation Trust
Classification: Likely pathogenic for Primary dilated cardiomyopathy. Last evaluated: 2014-10-08. Review status: criteria provided, single submitter. Criteria: Roberts et al. 2015. Collection method: research. Allele origin: germline. Inheritance: Autosomal dominant inheritance. Affected: yes. Observed: 2 variant alleles. Study: Endstage DCM.
Comment: This TTN truncating variant (TTNtv) was identified in two individuals in this cohort and is located in an exon that is highly expressed in the heart. In the seven cohorts assessed, TTNtv were found in 14% of ambulant DCM, 22% end-stage or familial DCM, and 2% controls. Heterozygous nonsense, frameshift and canonical splice-disrupting variants found in constitutive and other highly utilised exons are highly likely to be pathogenic when identified in individuals with phenotypically confirmed DCM. TTNtv found incidentally in healthy individuals (excluding familial assessment of DCM relatives) are thought to have low penetrance, particularly when identified in exons that are not constitutively expressed in the heart.

Literature cited by the submitters: PubMed 22335739 (cited by Labcorp Genetics (formerly Invitae), Labcorp); PubMed 25589632 (cited by Labcorp Genetics (formerly Invitae), Labcorp); PubMed 23975875 (cited by Labcorp Genetics (formerly Invitae), Labcorp).

NM_001267550.2(TTN):c.100445C>A (p.Ser33482Ter)

Genes: TTN (titin; minus strand), TTN-AS1 (TTN antisense RNA 1; plus strand). Cytogenetic location: 2q31.2.
Variant type: single nucleotide variant.
Coding change: c.100445C>A on transcript NM_001267550.2 (MANE Select); coding-DNA position 100445, C replaced by A.
Protein change: p.Ser33482Ter; replaces serine 33482 with a stop codon.
Molecular consequence: nonsense.
Genome position (GRCh38, 1-based): chr2:178,536,302, G>T on the plus strand (C>A on the coding strand, the complement: TTN is on the minus strand). VCF-style: chr2-178536302-G-T. GRCh37 (hg19) VCF-style: chr2-179401029-G-T.
Other names: c.95522C>A, p.Ser31841Ter (NM_001256850.1); c.73250C>A, p.Ser24417Ter (NM_003319.4); c.92741C>A, p.Ser30914Ter (NM_133378.4); c.73625C>A, p.Ser24542Ter (NM_133432.3); c.73826C>A, p.Ser24609Ter (NM_133437.4); c.100445C>A (LRG_391t1); short protein forms S33482*, S30914*, S24542*, S31841*, S24417*, S24609*.
Identifiers: ClinVar variation 223330 (VCV000223330.3), dbSNP rs869312086, ClinGen allele CA353388.
Genomic context (GRCh38, chr2:178,536,302, plus strand): 5'-AGTTCCTCTTTAAAGTGTGGTGCCTGAATTGGGACATCAGATTTGGGAGTGATGGGTTCT[G>T]ATATTTCACTCCATTCACTTTCCCCACCTAGATTTTCACATTTCACACGAAACTCGTATT-3'